The following is an entry in ClinVar:

ClinVar aggregate classification (germline): Pathogenic/Likely pathogenic. Review status: criteria provided, multiple submitters, no conflicts (2 of 4 stars). 3 submissions from 3 submitters: Pathogenic (1); Likely pathogenic (2). Last evaluated 2026-03-09.

Conditions:
Dilated cardiomyopathy 1G (CMD1G). Identifiers: Orphanet 154, MedGen C1858763, MONDO:0011400, OMIM 604145.
Autosomal recessive limb-girdle muscular dystrophy type 2J (LGMDR10). Also called: Limb-girdle muscular dystrophy, type 2J; MUSCULAR DYSTROPHY, LIMB-GIRDLE, AUTOSOMAL RECESSIVE 10. Identifiers: Orphanet 140922, MedGen C1837342, MONDO:0012127, OMIM 608807.
Cardiovascular phenotype. Identifiers: MedGen CN230736.
Cardiomyopathy (CMYO). Also called: Cardiomyopathies. Identifiers: Orphanet 167848, MedGen C0878544, MONDO:0004994, HP:0001638. Inheritance: Various modes of inheritance.

gnomAD v4.1: 1 of 1,613,634 alleles (0.000062%); highest among the groups gnomAD compares: Non-Finnish European, 0.000085%; no homozygotes.

Submissions (3):

Ambry Genetics
Classification: Likely pathogenic for Cardiovascular phenotype. Last evaluated: 2026-03-09. Review status: criteria provided, single submitter. Criteria: Ambry Variant Classification Scheme 2023. Collection method: clinical testing. Allele origin: germline.
Comment: The p.R22893* variant (also known as c.68677C>T), located in coding exon 172 of the TTN gene, results from a C to T substitution at nucleotide position 68677. This changes the amino acid from an arginine to a stop codon within coding exon 172. This exon is located in the A-band region of the N2-B isoform of the titin protein and is constitutively expressed in TTN transcripts (percent spliced in or PSI 100%). This variant (referred to as NM_001267550.1:c.95872C>T, p.Arg31958) has been detected in a peripartum cardiomyopathy cohort (Goli R et al. Circulation, 2021 May;143:1852-1862). This variant is considered to be rare based on population cohorts in the Genome Aggregation Database (gnomAD). This variant is expected to result in loss of function by premature protein truncation or nonsense-mediated mRNA decay. While truncating variants in TTN are present in 1-3% of the general population, truncating variants in the A-band are the most common cause of dilated cardiomyopathy (Herman DS et al. N. Engl. J. Med., 2012 Feb;366:619-28; Roberts AM et al. Sci Transl Med, 2015 Jan;7:270ra6). TTN truncating variants encoded in constitutive exons (PSI >90%) have been found to be significantly associated with DCM regardless of their position in titin (Schafer S et al. Nat. Genet., 2017 01;49:46-53; Akhtar MM et al. Circ Heart Fail, 2020 Oct;13:e006832; Massier M et al. Clin Genet, 2025 Jan). Based on the majority of available evidence to date, this variant is likely to be pathogenic.

CHEO Genetics Diagnostic Laboratory, Children's Hospital of Eastern Ontario
Classification: Pathogenic for Cardiomyopathy. Last evaluated: 2023-03-15. Review status: criteria provided, single submitter. Criteria: ACMG Guidelines, 2015. Collection method: clinical testing. Allele origin: germline.

Labcorp Genetics (formerly Invitae), Labcorp
Classification: Likely pathogenic for Dilated cardiomyopathy 1G; Autosomal recessive limb-girdle muscular dystrophy type 2J. Last evaluated: 2022-11-28. Review status: criteria provided, single submitter. Criteria: Invitae Variant Classification Sherloc (09022015). Collection method: clinical testing. Allele origin: germline.
Comment: This sequence change creates a premature translational stop signal (p.Arg31958*) in the TTN gene. While this is not anticipated to result in nonsense mediated decay, it is expected to create a truncated TTN protein. In summary, the currently available evidence indicates that the variant is pathogenic, but additional data are needed to prove that conclusively. Therefore, this variant has been classified as Likely Pathogenic. This variant is located in the A band of TTN (PMID: 25589632). Truncating variants in this region are significantly overrepresented in patients affected with dilated cardiomyopathy (PMID: 25589632). Truncating variants in this region have also been reported in individuals affected with autosomal recessive centronuclear myopathy (PMID: 23975875). ClinVar contains an entry for this variant (Variation ID: 1067228). This premature translational stop signal has been observed in individual(s) with peripartum cardiomyopathy (PMID: 33874732). This variant is not present in population databases (gnomAD no frequency).

Literature cited by the submitters: PubMed 33874732 (cited by Ambry Genetics and Labcorp Genetics (formerly Invitae), Labcorp); PubMed 25589632 (cited by Labcorp Genetics (formerly Invitae), Labcorp); PubMed 23975875 (cited by Labcorp Genetics (formerly Invitae), Labcorp).

NM_001267550.2(TTN):c.95872C>T (p.Arg31958Ter)

Genes: TTN-AS1 (TTN antisense RNA 1; plus strand), TTN (titin; minus strand). Cytogenetic location: 2q31.2.
Variant type: single nucleotide variant.
Coding change: c.95872C>T on transcript NM_001267550.2 (MANE Select); coding-DNA position 95872, C replaced by T.
Protein change: p.Arg31958Ter; replaces arginine 31958 with a stop codon.
Molecular consequence: nonsense.
Genome position (GRCh38, 1-based): chr2:178,544,357, G>A on the plus strand (C>T on the coding strand, the complement: TTN is on the minus strand). VCF-style: chr2-178544357-G-A. GRCh37 (hg19) VCF-style: chr2-179409084-G-A.
Other names: c.90949C>T, p.Arg30317Ter (NM_001256850.1); c.68677C>T, p.Arg22893Ter (NM_003319.4); c.88168C>T, p.Arg29390Ter (NM_133378.4); c.69052C>T, p.Arg23018Ter (NM_133432.3); c.69253C>T, p.Arg23085Ter (NM_133437.4); short protein forms R22893*, R23018*, R23085*, R29390*, R30317*, R31958*.
Identifiers: ClinVar variation 1067228 (VCV001067228.12), dbSNP rs2154144218, ClinGen allele CA349456554.